The following is an entry in ClinVar:

ClinVar aggregate classification (germline): Uncertain significance. Review status: criteria provided, multiple submitters, no conflicts (2 of 4 stars). 3 submissions from 3 submitters: Uncertain significance (3). Last evaluated 2022-08-17.

Conditions:
BNAR syndrome. Also called: Bifid Nose With or Without Anorectal and Renal Anomalies (BNAR) Syndrome. Identifiers: Orphanet 217266, MedGen C2750433, MONDO:0012165, OMIM 608980.
Oculotrichoanal syndrome (MOTA). Also called: Manitoba Oculotrichoanal (MOTA) Syndrome; MARLES SYNDROME. Identifiers: Orphanet 2717, MedGen C1855425, MONDO:0009560, OMIM 248450.
Trigonocephaly 2 (TRIGNO2). Identifiers: Orphanet 3366, MedGen C3280974, MONDO:0013774, OMIM 614485.
Inborn genetic diseases. Identifiers: MedGen C0950123, MeSH D030342.

Allele frequency attached by ClinVar (database versions not stated): gnomAD exomes 0.00023 and 0.00013; ExAC 0.00026; gnomAD 0.00011; TOPMed 0.00019.
gnomAD v4.1: 202 of 1,583,918 alleles (0.013%); highest among the groups gnomAD compares: Middle Eastern, 0.15%; no homozygotes.

Submissions (3):

Ambry Genetics
Classification: Uncertain significance for Inborn genetic diseases. Last evaluated: 2022-08-17. Review status: criteria provided, single submitter. Criteria: Ambry Variant Classification Scheme 2023. Collection method: clinical testing. Allele origin: germline.

Labcorp Genetics (formerly Invitae), Labcorp
Classification: Uncertain significance. Last evaluated: 2022-07-19. Review status: criteria provided, single submitter. Criteria: Invitae Variant Classification Sherloc (09022015). Collection method: clinical testing. Allele origin: germline.
Comment: This sequence change replaces asparagine, which is neutral and polar, with serine, which is neutral and polar, at codon 1287 of the FREM1 protein (p.Asn1287Ser). This variant is present in population databases (rs748356480, gnomAD 0.2%). This variant has not been reported in the literature in individuals affected with FREM1-related conditions. ClinVar contains an entry for this variant (Variation ID: 1410085). Algorithms developed to predict the effect of missense changes on protein structure and function output the following: SIFT: "Tolerated"; PolyPhen-2: "Benign"; Align-GVGD: "Class C0". The serine amino acid residue is found in multiple mammalian species, which suggests that this missense change does not adversely affect protein function. Algorithms developed to predict the effect of sequence changes on RNA splicing suggest that this variant may create or strengthen a splice site. In summary, the available evidence is currently insufficient to determine the role of this variant in disease. Therefore, it has been classified as a Variant of Uncertain Significance.

Fulgent Genetics
Classification: Uncertain significance for Oculotrichoanal syndrome; BNAR syndrome; Trigonocephaly 2. Last evaluated: 2022-05-06. Review status: criteria provided, single submitter. Criteria: ACMG Guidelines, 2015. Collection method: clinical testing. Allele origin: unknown.

NM_001379081.2(FREM1):c.3860A>G (p.Asn1287Ser)

Gene: FREM1 (FRAS1 related extracellular matrix 1; minus strand). Cytogenetic location: 9p22.3.
Variant type: single nucleotide variant.
Coding change: c.3860A>G on transcript NM_001379081.2 (MANE Select); coding-DNA position 3860, A replaced by G.
Protein change: p.Asn1287Ser; replaces asparagine 1287 with serine.
Molecular consequence: missense variant. On other transcripts: non-coding transcript variant (2).
Genome position (GRCh38, 1-based): chr9:14,792,864, T>C on the plus strand (A>G on the coding strand, the complement: FREM1 is on the minus strand). VCF-style: chr9-14792864-T-C. GRCh37 (hg19) VCF-style: chr9-14792862-T-C.
Other names: c.3860A>G, p.Asn1287Ser (NM_144966.7); short protein forms N1287S.
Identifiers: ClinVar variation 1410085 (VCV001410085.5), dbSNP rs748356480, ClinGen allele CA4990387.
Genomic context (GRCh38, chr9:14,792,864, plus strand): 5'-GGTGAGTCTTCATCTATGGCTGAAAGAATAGCACTGGAAATAATACGAGTTTCACCCATA[T>C]TCATTGCAATTTCAGCCTTCCTGTAAAAAGAAAAATGTCTGGGTTGATATAAAAATAGAA-3'
Protein context (NP_001366010.1, residues 1277-1297): MLSKKAEIAM[Asn1287Ser]MGETRIISSA